The following is an entry in ClinVar:

NM_001457.4(FLNB):c.3655C>T (p.Arg1219Trp)

Gene: FLNB (filamin B; plus strand). Cytogenetic location: 3p14.3.
Variant type: single nucleotide variant.
Coding change: c.3655C>T on transcript NM_001457.4 (MANE Select); coding-DNA position 3655, C replaced by T.
Protein change: p.Arg1219Trp; replaces arginine 1219 with tryptophan.
Molecular consequence: missense variant.
Genome position (GRCh38, 1-based): chr3:58,123,621, C>T. VCF-style: chr3-58123621-C-T. GRCh37 (hg19) VCF-style: chr3-58109348-C-T.
Other names: c.3655C>T, p.Arg1219Trp (NM_001164317.2, NM_001164318.2, NM_001164319.2); short protein forms R1219W.
Identifiers: ClinVar variation 1404329 (VCV001404329.7), dbSNP rs763607287, ClinGen allele CA2468470.

ClinVar aggregate classification (germline): Conflicting classifications of pathogenicity. Review status: criteria provided, conflicting classifications (1 of 4 stars). 2 submissions from 2 submitters: Uncertain significance (1); Likely benign (1). Last evaluated 2026-01-14.

Allele frequency attached by ClinVar (database versions not stated): ExAC 0.00004; gnomAD 0.00005; gnomAD exomes 0.00006 and 0.00010; TOPMed 0.00006.
gnomAD v4.1: 145 of 1,612,284 alleles (0.009%); highest among the groups gnomAD compares: East Asian, 0.036%; no homozygotes.

Submissions (2):

Labcorp Genetics (formerly Invitae), Labcorp
Classification: Likely benign. Last evaluated: 2026-01-14. Review status: criteria provided, single submitter. Criteria: Invitae Variant Classification Sherloc (09022015). Collection method: clinical testing. Allele origin: germline.

GeneDx
Classification: Uncertain significance. Last evaluated: 2022-12-29. Review status: criteria provided, single submitter. Criteria: GeneDx Variant Classification Process June 2021. Collection method: clinical testing. Allele origin: germline. Affected: yes.
Comment: In silico analysis supports that this missense variant has a deleterious effect on protein structure/function; Observed with another variant on the opposite allele (in trans) in an individual with complex brain malformations in published literature, but skeletal manifestations were not reported in this patient (Okumara et al., 2013); This variant is associated with the following publications: (PMID: 23240987)